The following is an entry in ClinVar:

NM_000021.4(PSEN1):c.654A>G (p.Pro218=)

Gene: PSEN1 (presenilin 1; plus strand). Cytogenetic location: 14q24.2.
Variant type: single nucleotide variant.
Coding change: c.654A>G on transcript NM_000021.4 (MANE Select); coding-DNA position 654, A replaced by G.
Protein change: p.Pro218=; no amino-acid change (proline 218 retained).
Molecular consequence: synonymous variant.
Genome position (GRCh38, 1-based): chr14:73,192,749, A>G. VCF-style: chr14-73192749-A-G. GRCh37 (hg19) VCF-style: chr14-73659457-A-G.
Other names: c.642A>G, p.Pro214= (NM_007318.3).
Identifiers: ClinVar variation 313947 (VCV000313947.16), dbSNP rs115760359, ClinGen allele CA7256797.

ClinVar aggregate classification (germline): Conflicting classifications of pathogenicity. Review status: criteria provided, conflicting classifications (1 of 4 stars). 4 submissions from 3 submitters: Uncertain significance (1); Benign (1); Likely benign (2). Last evaluated 2025-12-14.

Conditions:
Acne inversa, familial, 3 (ACNINV3). Identifiers: MedGen C3151038, MONDO:0013398, OMIM 613737.
Alzheimer disease 3 (AD3). Also called: ALZHEIMER DISEASE, FAMILIAL, 3. Identifiers: Orphanet 1020, MedGen C1843013, MONDO:0011913, OMIM 607822.
Pick disease. Also called: LOBAR ATROPHY OF BRAIN; PICK DISEASE OF BRAIN; DEMENTIA WITH LOBAR ATROPHY AND NEURONAL CYTOPLASMIC INCLUSIONS; Pick's disease; Pick Disease of the Brain. Identifiers: Orphanet 282, MedGen C0236642, MONDO:0008243, OMIM 172700.
Frontotemporal dementia (FTD1). Also called: FRONTOTEMPORAL DEMENTIA WITH PARKINSONISM; FRONTOTEMPORAL LOBE DEMENTIA; MULTIPLE SYSTEM TAUOPATHY WITH PRESENILE DEMENTIA; FRONTOTEMPORAL LOBAR DEGENERATION WITH TAU INCLUSIONS; FTLD WITH TAU INCLUSIONS; Frontotemporal Dementia with Parkinsonism-17 (FTDP-17). Identifiers: Orphanet 282, MedGen C0338451, MONDO:0017276, OMIM 600274, HP:0002145.
Dilated cardiomyopathy 1U. Identifiers: Orphanet 154, MedGen C3160720, MONDO:0013371, OMIM 613694.

Allele frequency attached by ClinVar (database versions not stated): gnomAD exomes 0.00006 and 0.00025; gnomAD 0.00011 and 0.00013; TOPMed 0.00016; ExAC 0.00018; 1000 Genomes Project 0.00080; 1000 Genomes Project 30x 0.00094.
gnomAD v4.1: 98 of 1,614,020 alleles (0.0061%); highest among the groups gnomAD compares: East Asian, 0.22%; no homozygotes.

Submissions (4):

Labcorp Genetics (formerly Invitae), Labcorp
Classification: Benign for Alzheimer disease 3; Pick disease; Acne inversa, familial, 3; Frontotemporal dementia. Last evaluated: 2025-12-14. Review status: criteria provided, single submitter. Criteria: Invitae Variant Classification Sherloc (09022015). Collection method: clinical testing. Allele origin: germline.

Blueprint Genetics
Classification: Likely benign. Last evaluated: 2024-05-13. Review status: criteria provided, single submitter. Criteria: ACMG Guidelines, 2015. Collection method: clinical testing. Allele origin: germline.

Illumina Laboratory Services, Illumina
Classification: Uncertain significance for Dilated cardiomyopathy 1U. Last evaluated: 2018-01-12. Review status: criteria provided, single submitter. Criteria: ICSL Variant Classification Criteria 13 December 2019. Collection method: clinical testing. Allele origin: germline.

Illumina Laboratory Services, Illumina
Classification: Likely benign for Alzheimer disease 3. Last evaluated: 2018-01-12. Review status: criteria provided, single submitter. Criteria: ICSL Variant Classification Criteria 13 December 2019. Collection method: clinical testing. Allele origin: germline.
Comment: This variant was observed in the ICSL laboratory as part of a predisposition screen in an ostensibly healthy population. It had not been previously curated by ICSL or reported in the Human Gene Mutation Database (HGMD: prior to June 1st, 2018), and was therefore a candidate for classification through an automated scoring system. Utilizing variant allele frequency, disease prevalence and penetrance estimates, and inheritance mode, an automated score was calculated to assess if this variant is too frequent to cause the disease. Based on the score and internal cut-off values, a variant classified as likely benign is not then subjected to further curation. The score for this variant resulted in a classification of likely benign for this disease.